The following is an entry in ClinVar:

NM_080732.4(EGLN2):c.935A>G (p.Tyr312Cys)

Genes: EGLN2 (egl-9 family hypoxia inducible factor 2; plus strand), RAB4B-EGLN2 (RAB4B-EGLN2 readthrough (NMD candidate); plus strand). Cytogenetic location: 19q13.2.
Variant type: single nucleotide variant.
Coding change: c.935A>G on transcript NM_080732.4 (MANE Select); coding-DNA position 935, A replaced by G.
Protein change: p.Tyr312Cys; replaces tyrosine 312 with cysteine.
Molecular consequence: missense variant. On other transcripts: non-coding transcript variant (1).
Genome position (GRCh38, 1-based): chr19:40,806,646, A>G. VCF-style: chr19-40806646-A-G. GRCh37 (hg19) VCF-style: chr19-41312551-A-G.
Other names: c.935A>G, p.Tyr312Cys (NM_053046.4); short protein forms Y312C.
Identifiers: ClinVar variation 2561822 (VCV002561822.2), dbSNP rs1344509842, ClinGen allele CA405956305.

ClinVar aggregate classification (germline): Uncertain significance (1 of 4 stars; one submission).

Allele frequency attached by ClinVar (database versions not stated): gnomAD exomes below 0.00001.
gnomAD v4.1: 5 of 1,613,702 alleles (0.00031%); highest among the groups gnomAD compares: Non-Finnish European, 0.00042%; no homozygotes.

Submission:

Ambry Genetics
Classification: Uncertain significance. Last evaluated: 2023-03-26. Review status: criteria provided, single submitter. Criteria: Ambry Variant Classification Scheme 2023. Collection method: clinical testing. Allele origin: germline.
Comment: The p.Y312C variant (also known as c.935A>G), located in coding exon 2 of the EGLN2 gene, results from an A to G substitution at nucleotide position 935. The tyrosine at codon 312 is replaced by cysteine, an amino acid with highly dissimilar properties. This amino acid position is conserved. In addition, this alteration is predicted to be deleterious by in silico analysis. Since supporting evidence is limited at this time, the clinical significance of this alteration remains unclear.